The following is an entry in ClinVar:

NM_001080.3(ALDH5A1):c.79C>T (p.Arg27Cys)

Genes: ALDH5A1 (aldehyde dehydrogenase 5 family member A1; plus strand), GPLD1 (glycosylphosphatidylinositol specific phospholipase D1; minus strand), LOC129995978 (ATAC-STARR-seq lymphoblastoid silent region 16989; plus strand). Cytogenetic location: 6p22.3.
Variant type: single nucleotide variant.
Coding change: c.79C>T on transcript NM_001080.3 (MANE Select); coding-DNA position 79, C replaced by T.
Protein change: p.Arg27Cys; replaces arginine 27 with cysteine.
Molecular consequence: missense variant.
Genome position (GRCh38, 1-based): chr6:24,495,075, C>T. VCF-style: chr6-24495075-C-T. GRCh37 (hg19) VCF-style: chr6-24495303-C-T.
Other names: c.79C>T, p.Arg27Cys (NM_001368954.1, NM_170740.1); short protein forms R27C.
Identifiers: ClinVar variation 1368215 (VCV001368215.8), dbSNP rs779798309, ClinGen allele CA362968191.

ClinVar aggregate classification (germline): Uncertain significance (1 of 4 stars; one submission).

Conditions:
Succinate-semialdehyde dehydrogenase deficiency (SSADHD). Also called: 4-HYDROXYBUTYRIC ACIDURIA; GABA METABOLIC DEFECT; SSADH DEFICIENCY; Succinic Semialdehyde Dehydrogenase Deficiency. Identifiers: Orphanet 22, MedGen C0268631, MONDO:0010083, OMIM 271980.

Submission:

Labcorp Genetics (formerly Invitae), Labcorp
Classification: Uncertain significance for Succinate-semialdehyde dehydrogenase deficiency. Last evaluated: 2021-07-17. Review status: criteria provided, single submitter. Criteria: Invitae Variant Classification Sherloc (09022015). Collection method: clinical testing. Allele origin: germline.
Comment: In summary, the available evidence is currently insufficient to determine the role of this variant in disease. Therefore, it has been classified as a Variant of Uncertain Significance. Advanced modeling of protein sequence and biophysical properties (such as structural, functional, and spatial information, amino acid conservation, physicochemical variation, residue mobility, and thermodynamic stability) performed at Invitae indicates that this missense variant is not expected to disrupt ALDH5A1 protein function. The frequency data for this variant in the population databases is considered unreliable, as metrics indicate insufficient coverage at this position in the ExAC database. This sequence change replaces arginine with cysteine at codon 27 of the ALDH5A1 protein (p.Arg27Cys). The arginine residue is weakly conserved and there is a large physicochemical difference between arginine and cysteine. This variant has not been reported in the literature in individuals affected with ALDH5A1-related conditions.